The following is an entry in ClinVar:

ClinVar aggregate classification (germline): Likely benign. Review status: criteria provided, multiple submitters, no conflicts (2 of 4 stars). 3 submissions from 3 submitters: Likely benign (3). Last evaluated 2022-12-05.

Conditions:
Ehlers-Danlos syndrome, type 4 (EDSVASC). Also called: Ehlers-Danlos Syndrome Type IV; Ehlers-Danlos syndrome vascular type; Ehlers Danlos syndrome, ecchymotic type; Ehlers Danlos syndrome, arterial type; Ehlers Danlos syndrome, Sack-Barabas type. Identifiers: Orphanet 286, MedGen C0268338, MONDO:0017314, OMIM 130050.
Familial thoracic aortic aneurysm and aortic dissection (TAAD). Also called: Thoracic aortic aneurysms and dissections. Identifiers: Orphanet 91387, MedGen C4707243, MONDO:0019625.

Allele frequency attached by ClinVar (database versions not stated): gnomAD 0.00001.
gnomAD v4.1: 35 of 1,613,764 alleles (0.0022%); highest among the groups gnomAD compares: South Asian, 0.036%; no homozygotes.

Submissions (3):

All of Us Research Program, National Institutes of Health
Classification: Likely benign for Ehlers-Danlos syndrome, type 4. Last evaluated: 2022-12-05. Review status: criteria provided, single submitter. Criteria: ACMG Guidelines, 2015. Collection method: clinical testing. Allele origin: germline. Inheritance: Autosomal dominant inheritance. Observed: 1 variant allele, 1 heterozygote.
Comment: This study involves interpretation of variants in research participants for the purpose of population health screening. Participant phenotype was not available at the time of variant classification. Additional details can be found in publication PMID: 35346344, PMCID: PMC8962531

Labcorp Genetics (formerly Invitae), Labcorp
Classification: Likely benign for Ehlers-Danlos syndrome, type 4. Last evaluated: 2022-10-23. Review status: criteria provided, single submitter. Criteria: Invitae Variant Classification Sherloc (09022015). Collection method: clinical testing. Allele origin: germline.

Color Diagnostics, LLC DBA Color Health
Classification: Likely benign for Familial thoracic aortic aneurysm and aortic dissection. Last evaluated: 2020-03-03. Review status: criteria provided, single submitter. Criteria: ACMG Guidelines, 2015. Collection method: clinical testing. Allele origin: germline.

NM_000090.4(COL3A1):c.1150-4T>G

Gene: COL3A1 (collagen type III alpha 1 chain; plus strand). Cytogenetic location: 2q32.2.
Variant type: single nucleotide variant.
Coding change: c.1150-4T>G on transcript NM_000090.4 (MANE Select); 4 bases into the intron before coding-DNA position 1150, T replaced by G.
Molecular consequence: intron variant.
Genome position (GRCh38, 1-based): chr2:188,994,034, T>G. VCF-style: chr2-188994034-T-G. GRCh37 (hg19) VCF-style: chr2-189858760-T-G.
Identifiers: ClinVar variation 919095 (VCV000919095.12), dbSNP rs756350810, ClinGen allele CA073871.